The following is an entry in ClinVar:

ClinVar aggregate classification (germline): Uncertain significance (1 of 4 stars; one submission).

Submission:

Ambry Genetics
Classification: Uncertain significance. Last evaluated: 2026-03-30. Review status: criteria provided, single submitter. Criteria: Ambry Variant Classification Scheme 2023. Collection method: clinical testing. Allele origin: germline.
Comment: The c.452dupA variant, located in coding exon 3 of the ATRIP gene, results from a duplication of A at nucleotide position 452, causing a translational frameshift with a predicted alternate stop codon (p.T152Dfs*16). The evidence for this gene-disease relationship is limited; therefore, the clinical significance of this variant is unclear.

NM_130384.3(ATRIP):c.452dup (p.Thr152fs)

Genes: ATRIP (ATR interacting protein; plus strand), ATRIP-TREX1 (ATRIP-TREX1 readthrough; plus strand). Cytogenetic location: 3p21.31.
Variant type: Duplication.
Coding change: c.452dup on transcript NM_130384.3 (MANE Select); coding-DNA position 452, one base duplicated (A; older notation c.452dupA).
Protein change: p.Thr152fs; shifts the reading frame from threonine 152.
Molecular consequence: frameshift variant. On other transcripts: non-coding transcript variant (1).
Genome position (GRCh38, 1-based): chr3:48,451,799, A duplicated. VCF-style (leftmost placement, unchanged base first): chr3-48451798-C-CA. GRCh37 (hg19) VCF-style: chr3-48493204-C-CA.
Other names: c.71dup, p.Thr25fs (NM_001271022.2); c.173dup, p.Thr59fs (NM_001271023.2); c.452dup, p.Thr152fs (NM_032166.4); short protein forms T152fs, T25fs, T59fs.
Identifiers: ClinVar variation 4867183 (VCV004867183.1).